The following is an entry in ClinVar:

NM_152594.3(SPRED1):c.638A>C (p.Gln213Pro)

Gene: SPRED1 (sprouty related EVH1 domain containing 1; plus strand). Cytogenetic location: 15q14.
Variant type: single nucleotide variant.
Coding change: c.638A>C on transcript NM_152594.3 (MANE Select); coding-DNA position 638, A replaced by C.
Protein change: p.Gln213Pro; replaces glutamine 213 with proline.
Molecular consequence: missense variant.
Genome position (GRCh38, 1-based): chr15:38,349,477, A>C. VCF-style: chr15-38349477-A-C. GRCh37 (hg19) VCF-style: chr15-38641678-A-C.
Other names: short protein forms Q213P.
Identifiers: ClinVar variation 5030110 (VCV005030110.1).

ClinVar aggregate classification (germline): Uncertain significance (1 of 4 stars; one submission).

Conditions:
Cardiovascular phenotype. Identifiers: MedGen CN230736.

gnomAD v4.1: 1 of 1,612,854 alleles (0.000062%); highest among the groups gnomAD compares: Middle Eastern, 0.017%; no homozygotes.

Submission:

Ambry Genetics
Classification: Uncertain significance for Cardiovascular phenotype. Last evaluated: 2026-07-05. Review status: criteria provided, single submitter. Criteria: Ambry Variant Classification Scheme 2023. Collection method: clinical testing. Allele origin: germline.
Comment: The p.Q213P variant (also known as c.638A>C), located in coding exon 6 of the SPRED1 gene, results from an A to C substitution at nucleotide position 638. The glutamine at codon 213 is replaced by proline, an amino acid with similar properties. This amino acid position is conserved. In addition, this alteration is predicted to be tolerated by in silico analysis. Based on the available evidence, the clinical significance of this variant remains unclear.